The following is an entry in ClinVar:

ClinVar aggregate classification (germline): Uncertain significance (1 of 4 stars; one submission).

Conditions:
Retinitis pigmentosa (RP). Identifiers: Orphanet 791, MedGen C0035334, MeSH D012174, MONDO:0019200, OMIM 268000. Inheritance: Autosomal dominant, autosomal recessive and X linked inheritance.

Submission:

Lab De Baere, Eye and Developmental Genetics Lab, Ghent University
Classification: Uncertain significance for Retinitis pigmentosa. Last evaluated: 2024-10-01. Review status: criteria provided, single submitter. Criteria: ACMG Guidelines, 2015. Collection method: research. Allele origin: inherited. Affected: yes. Observed: 1 variant allele.
Comment: ACMG/AMP guidelines: PM2, PP4_PP, PP1, PM3_PP

NM_006343.3(MERTK):c.698A>C (p.Gln233Pro)

Gene: MERTK (MER proto-oncogene, tyrosine kinase; plus strand). Cytogenetic location: 2q13.
Variant type: single nucleotide variant.
Coding change: c.698A>C on transcript NM_006343.3 (MANE Select); coding-DNA position 698, A replaced by C.
Protein change: p.Gln233Pro; replaces glutamine 233 with proline.
Molecular consequence: missense variant.
Genome position (GRCh38, 1-based): chr2:111,947,508, A>C. VCF-style: chr2-111947508-A-C. GRCh37 (hg19) VCF-style: chr2-112705085-A-C.
Other names: short protein forms Q233P.
Identifiers: ClinVar variation 3544473 (VCV003544473.1).